The following is an entry in ClinVar:

NM_021098.3(CACNA1H):c.3845G>A (p.Arg1282Gln)

Gene: CACNA1H (calcium voltage-gated channel subunit alpha1 H; plus strand). Cytogenetic location: 16p13.3.
Variant type: single nucleotide variant.
Coding change: c.3845G>A on transcript NM_021098.3 (MANE Select); coding-DNA position 3845, G replaced by A.
Protein change: p.Arg1282Gln; replaces arginine 1282 with glutamine.
Molecular consequence: missense variant.
Genome position (GRCh38, 1-based): chr16:1,210,135, G>A. VCF-style: chr16-1210135-G-A. GRCh37 (hg19) VCF-style: chr16-1260135-G-A.
Other names: c.3845G>A, p.Arg1282Gln (NM_001005407.2); short protein forms R1282Q.
Identifiers: ClinVar variation 858319 (VCV000858319.34), dbSNP rs764530568, ClinGen allele CA7800947.

ClinVar aggregate classification (germline): Uncertain significance. Review status: criteria provided, multiple submitters, no conflicts (2 of 4 stars). 3 submissions from 3 submitters: Uncertain significance (3). Last evaluated 2023-12-10.

Conditions:
Idiopathic generalized epilepsy. Also called: EIG; Generalised epilepsy. Identifiers: MedGen C0270850, MONDO:0005579, OMIM 600669.
Hyperaldosteronism, familial, type IV (HALD4). Also called: FH IV; ALDOSTERONISM, PRIMARY, AND HYPERTENSION. Identifiers: Orphanet 642671, MedGen C4310756, MONDO:0014875, OMIM 617027.

Allele frequency attached by ClinVar (database versions not stated): ExAC below 0.00001; gnomAD 0.00003 and 0.00004; TOPMed 0.00003; gnomAD exomes 0.00006.
gnomAD v4.1: 266 of 1,553,876 alleles (0.017%); highest among the groups gnomAD compares: Non-Finnish European, 0.022%; no homozygotes.

Submissions (3):

Labcorp Genetics (formerly Invitae), Labcorp
Classification: Uncertain significance for Idiopathic generalized epilepsy; Hyperaldosteronism, familial, type IV. Last evaluated: 2023-12-10. Review status: criteria provided, single submitter. Criteria: Invitae Variant Classification Sherloc (09022015). Collection method: clinical testing. Allele origin: germline.
Comment: This sequence change replaces arginine, which is basic and polar, with glutamine, which is neutral and polar, at codon 1282 of the CACNA1H protein (p.Arg1282Gln). The frequency data for this variant in the population databases is considered unreliable, as metrics indicate poor data quality at this position in the gnomAD database. This variant has not been reported in the literature in individuals affected with CACNA1H-related conditions. ClinVar contains an entry for this variant (Variation ID: 858319). An algorithm developed to predict the effect of missense changes on protein structure and function (PolyPhen-2) suggests that this variant is likely to be disruptive. Algorithms developed to predict the effect of sequence changes on RNA splicing suggest that this variant may disrupt the consensus splice site. In summary, the available evidence is currently insufficient to determine the role of this variant in disease. Therefore, it has been classified as a Variant of Uncertain Significance.

CeGaT Center for Human Genetics Tuebingen
Classification: Uncertain significance. Last evaluated: 2023-09-01. Review status: criteria provided, single submitter. Criteria: CeGaT Center For Human Genetics Tuebingen Variant Classification Criteria Version 2. Collection method: clinical testing. Allele origin: germline. Affected: yes. Observed: 1 variant allele.
Comment: CACNA1H: PP3

GeneDx
Classification: Uncertain significance. Last evaluated: 2023-08-15. Review status: criteria provided, single submitter. Criteria: GeneDx Variant Classification Process June 2021. Collection method: clinical testing. Allele origin: germline. Affected: yes.
Comment: In silico analysis supports a deleterious effect on splicing; In silico analysis supports that this missense variant does not alter protein structure/function; Has not been previously published as pathogenic or benign to our knowledge